The following is an entry in ClinVar:

NM_001161352.2(KCNMA1):c.3653G>A (p.Arg1218Gln)

Gene: KCNMA1 (potassium calcium-activated channel subfamily M alpha 1; minus strand). Cytogenetic location: 10q22.3.
Variant type: single nucleotide variant.
Coding change: c.3653G>A on transcript NM_001161352.2 (MANE Select); coding-DNA position 3653, G replaced by A.
Protein change: p.Arg1218Gln; replaces arginine 1218 with glutamine.
Molecular consequence: missense variant.
Genome position (GRCh38, 1-based): chr10:76,887,324, C>T on the plus strand (G>A on the coding strand, the complement: KCNMA1 is on the minus strand). VCF-style: chr10-76887324-C-T. GRCh37 (hg19) VCF-style: chr10-78647082-C-T.
Other names: c.3491G>A, p.Arg1164Gln (NM_001014797.3); c.3602G>A, p.Arg1201Gln (NM_001161353.2); c.3329G>A, p.Arg1110Gln (NM_001271518.2); c.3569G>A, p.Arg1190Gln (NM_001271519.2); c.3488G>A, p.Arg1163Gln (NM_001322829.2, NM_001322836.2); c.3581G>A, p.Arg1194Gln (NM_001322830.2); c.3479G>A, p.Arg1160Gln (NM_001322832.2, NM_002247.4); c.3572G>A, p.Arg1191Gln (NM_001322835.2, NM_001322837.2); and 1 more; short protein forms R1160Q, R1164Q, R1163Q, R1191Q, R1201Q, R1110Q, R1190Q, R1194Q.
Identifiers: ClinVar variation 373537 (VCV000373537.9), dbSNP rs200723995, ClinGen allele CA16042737.

ClinVar aggregate classification (germline): Uncertain significance. Review status: criteria provided, multiple submitters, no conflicts (2 of 4 stars). 2 submissions from 2 submitters: Uncertain significance (2). Last evaluated 2024-11-18.

Conditions:
Generalized epilepsy-paroxysmal dyskinesia syndrome (PNKD3). Also called: Generalized epilepsy and paroxysmal dyskinesia; Paroxysmal nonkinesigenic dyskinesia, 3, with or without generalized epilepsy. Identifiers: Orphanet 79137, MedGen C5574945, MONDO:0012276, OMIM 609446.

Allele frequency attached by ClinVar (database versions not stated): TOPMed below 0.00001; gnomAD exomes 0.00001.
gnomAD v4.1: 14 of 1,614,074 alleles (0.00087%); highest among the groups gnomAD compares: African/African-American, 0.0013%; no homozygotes.

Submissions (2):

Labcorp Genetics (formerly Invitae), Labcorp
Classification: Uncertain significance for Generalized epilepsy-paroxysmal dyskinesia syndrome. Last evaluated: 2024-11-18. Review status: criteria provided, single submitter. Criteria: Invitae Variant Classification Sherloc (09022015). Collection method: clinical testing. Allele origin: germline.
Comment: This sequence change replaces arginine, which is basic and polar, with glutamine, which is neutral and polar, at codon 1160 of the KCNMA1 protein (p.Arg1160Gln). This variant is present in population databases (rs200723995, gnomAD 0.003%). This variant has not been reported in the literature in individuals affected with KCNMA1-related conditions. ClinVar contains an entry for this variant (Variation ID: 373537). An algorithm developed to predict the effect of missense changes on protein structure and function (PolyPhen-2) suggests that this variant is likely to be tolerated. In summary, the available evidence is currently insufficient to determine the role of this variant in disease. Therefore, it has been classified as a Variant of Uncertain Significance.

GeneDx
Classification: Uncertain significance. Last evaluated: 2016-12-07. Review status: criteria provided, single submitter. Criteria: GeneDx Variant Classification (06012015). Collection method: clinical testing. Allele origin: germline. Affected: yes.
Comment: The R1160Q variant in the KCNMA1 gene has not been reported previously as a pathogenic variant, nor as a benign variant, to our knowledge. The R1160Q variant was not observed in approximately 6500 individuals of European and African American ancestry in the NHLBI Exome Sequencing Project, indicating it is not a common benign variant in these populations. The R1160Q variant is a semi-conservative amino acid substitution, which may impact secondary protein structure as these residues differ in some properties. This substitution occurs at a position that is conserved across species. In silico analysis is inconsistent in its predictions as to whether or not the variant is damaging to the protein structure/function. We interpret R1160Q as a variant of uncertain significance.